The following is an entry in ClinVar:

ClinVar aggregate classification (germline): Uncertain significance. Review status: criteria provided, multiple submitters, no conflicts (2 of 4 stars). 2 submissions from 2 submitters: Uncertain significance (2). Last evaluated 2024-02-14.

Conditions:
Inborn genetic diseases. Identifiers: MedGen C0950123, MeSH D030342.

Allele frequency attached by ClinVar (database versions not stated): ExAC 0.00003; TOPMed 0.00003; gnomAD 0.00004; ESP Exome Variant Server 0.00015.
gnomAD v4.1: 15 of 1,614,030 alleles (0.00093%); highest among the groups gnomAD compares: African/African-American, 0.019%; no homozygotes.

Submissions (2):

GeneDx
Classification: Uncertain significance. Last evaluated: 2024-02-14. Review status: criteria provided, single submitter. Criteria: GeneDx Variant Classification Process June 2021. Collection method: clinical testing. Allele origin: germline. Affected: yes.
Comment: In silico analysis supports that this missense variant does not alter protein structure/function; Has not been previously published as pathogenic or benign to our knowledge

Ambry Genetics
Classification: Uncertain significance for Inborn genetic diseases. Last evaluated: 2023-06-21. Review status: criteria provided, single submitter. Criteria: Ambry Variant Classification Scheme 2023. Collection method: clinical testing. Allele origin: germline.

NM_001042413.2(GLIS3):c.1561A>G (p.Ile521Val)

Gene: GLIS3 (GLIS family zinc finger 3; minus strand). Cytogenetic location: 9p24.2.
Variant type: single nucleotide variant.
Coding change: c.1561A>G on transcript NM_001042413.2 (MANE Select); coding-DNA position 1561, A replaced by G.
Protein change: p.Ile521Val; replaces isoleucine 521 with valine.
Molecular consequence: missense variant.
Genome position (GRCh38, 1-based): chr9:4,117,917, T>C on the plus strand (A>G on the coding strand, the complement: GLIS3 is on the minus strand). VCF-style: chr9-4117917-T-C. GRCh37 (hg19) VCF-style: chr9-4117917-T-C.
Other names: c.1096A>G, p.Ile366Val (NM_152629.4); short protein forms I366V, I521V.
Identifiers: ClinVar variation 2604841 (VCV002604841.3), dbSNP rs141533130, ClinGen allele CA4968153.
Genomic context (GRCh38, chr9:4,117,917, plus strand): 5'-AACCGGCCCAGAAGCAAGTGAAGTCCTCCCCTTTGCGCTGGTCGATGTGGACCTTCTCGA[T>C]GTGCCGCACGAGCTCCTCCTGCTGGTCGTACAGGGCGCTGCAGTCGATCCAGCGGCAGCA-3'
Protein context (NP_001035878.1, residues 511-531): YDQQEELVRH[Ile521Val]EKVHIDQRKG